The following is an entry in ClinVar:

ClinVar aggregate classification (germline): Uncertain significance (1 of 4 stars; one submission).

Allele frequency attached by ClinVar (database versions not stated): TOPMed below 0.00001; gnomAD exomes 0.00001; gnomAD 0.00001.
gnomAD v4.1: 18 of 1,533,982 alleles (0.0012%); highest among the groups gnomAD compares: Non-Finnish European, 0.0016%; no homozygotes.

Submission:

Labcorp Genetics (formerly Invitae), Labcorp
Classification: Uncertain significance. Last evaluated: 2021-12-24. Review status: criteria provided, single submitter. Criteria: Invitae Variant Classification Sherloc (09022015). Collection method: clinical testing. Allele origin: germline.
Comment: This sequence change affects codon 777 of the UNC80 mRNA. It is a 'silent' change, meaning that it does not change the encoded amino acid sequence of the UNC80 protein. This variant also falls at the last nucleotide of exon 13, which is part of the consensus splice site for this exon. This variant is present in population databases (no rsID available, gnomAD 0.002%). This variant has not been reported in the literature in individuals affected with UNC80-related conditions. Variants that disrupt the consensus splice site are a relatively common cause of aberrant splicing (PMID: 17576681, 9536098). Algorithms developed to predict the effect of sequence changes on RNA splicing suggest that this variant may disrupt the consensus splice site. In summary, the available evidence is currently insufficient to determine the role of this variant in disease. Therefore, it has been classified as a Variant of Uncertain Significance.

Literature cited by the submitters: PubMed 17576681; PubMed 9536098.

NM_001371986.1(UNC80):c.2331G>A (p.Lys777=)

Gene: UNC80 (unc-80 homolog, NALCN channel complex subunit; plus strand). Cytogenetic location: 2q34.
Variant type: single nucleotide variant.
Coding change: c.2331G>A on transcript NM_001371986.1 (MANE Select); coding-DNA position 2331, G replaced by A.
Protein change: p.Lys777=; no amino-acid change (lysine 777 retained).
Molecular consequence: synonymous variant.
Genome position (GRCh38, 1-based): chr2:209,820,679, G>A. VCF-style: chr2-209820679-G-A. GRCh37 (hg19) VCF-style: chr2-210685403-G-A.
Other names: c.2331G>A, p.Lys777= (NM_032504.2, NM_182587.4).
Identifiers: ClinVar variation 1499244 (VCV001499244.3), dbSNP rs967602474, ClinGen allele CA64669630.